The following is an entry in ClinVar:

ClinVar aggregate classification (germline): Uncertain significance. Review status: criteria provided, multiple submitters, no conflicts (2 of 4 stars). 2 submissions from 2 submitters: Uncertain significance (2). Last evaluated 2022-09-14.

Conditions:
Epileptic encephalopathy. Identifiers: MedGen C0543888, HP:0200134.

Allele frequency attached by ClinVar (database versions not stated): gnomAD 0.00001; gnomAD exomes 0.00001; ExAC 0.00002; TOPMed 0.00003.
gnomAD v4.1: 14 of 1,586,932 alleles (0.00088%); highest among the groups gnomAD compares: Admixed American, 0.0036%; no homozygotes.

Submissions (2):

Ambry Genetics
Classification: Uncertain significance. Last evaluated: 2022-09-14. Review status: criteria provided, single submitter. Criteria: Ambry Variant Classification Scheme 2023. Collection method: clinical testing. Allele origin: germline.

Labcorp Genetics (formerly Invitae), Labcorp
Classification: Uncertain significance for Epileptic encephalopathy. Last evaluated: 2019-06-26. Review status: criteria provided, single submitter. Criteria: Invitae Variant Classification Sherloc (09022015). Collection method: clinical testing. Allele origin: germline.
Comment: This sequence change replaces lysine with arginine at codon 949 of the RYR3 protein (p.Lys949Arg). The lysine residue is highly conserved and there is a small physicochemical difference between lysine and arginine. In summary, the available evidence is currently insufficient to determine the role of this variant in disease. Therefore, it has been classified as a Variant of Uncertain Significance. Algorithms developed to predict the effect of missense changes on protein structure and function output the following: SIFT: "Deleterious"; PolyPhen-2: "Benign"; Align-GVGD: "Class C25". The arginine amino acid residue is found in multiple mammalian species, suggesting that this missense change does not adversely affect protein function. These predictions have not been confirmed by published functional studies and their clinical significance is uncertain. This variant has not been reported in the literature in individuals with RYR3-related conditions. This variant is present in population databases (rs754047679, ExAC 0.05%).

NM_001036.6(RYR3):c.2846A>G (p.Lys949Arg)

Gene: RYR3 (ryanodine receptor 3; plus strand). Cytogenetic location: 15q14.
Variant type: single nucleotide variant.
Coding change: c.2846A>G on transcript NM_001036.6 (MANE Select); coding-DNA position 2846, A replaced by G.
Protein change: p.Lys949Arg; replaces lysine 949 with arginine.
Molecular consequence: missense variant.
Genome position (GRCh38, 1-based): chr15:33,631,272, A>G. VCF-style: chr15-33631272-A-G. GRCh37 (hg19) VCF-style: chr15-33923473-A-G.
Other names: c.2846A>G, p.Lys949Arg (NM_001243996.4); c.2846A>G (NM_001036.3); short protein forms K949R.
Identifiers: ClinVar variation 938609 (VCV000938609.10), dbSNP rs754047679, ClinGen allele CA7458549.